The following is an entry in ClinVar:

ClinVar aggregate classification (germline): Uncertain significance. Review status: criteria provided, multiple submitters, no conflicts (2 of 4 stars). 4 submissions from 4 submitters: Uncertain significance (2). 2 of the submissions do not count toward it. Last evaluated 2023-07-07.

Conditions:
Fanconi anemia (FA). Also called: Fanconi's anemia. Identifiers: Orphanet 84, MedGen C0015625, MeSH D005199, MONDO:0019391.

Allele frequency attached by ClinVar (database versions not stated): ExAC below 0.00001; gnomAD exomes 0.00002 and 0.00005; TOPMed 0.00011; gnomAD 0.00015; 1000 Genomes Project 0.00060; 1000 Genomes Project 30x 0.00062.
gnomAD v4.1: 43 of 1,486,110 alleles (0.0029%); highest among the groups gnomAD compares: African/African-American, 0.031%; no homozygotes.

Submissions (4):

Quest Diagnostics Nichols Institute San Juan Capistrano
Classification: Uncertain significance. Last evaluated: 2023-07-07. Review status: criteria provided, single submitter. Criteria: Quest Diagnostics criteria. Collection method: clinical testing. Allele origin: unknown.
Comment: To the best of our knowledge, this variant has not been reported in the published literature. The frequency of this variant in the general population, 0.00048 (4/8398 chromosomes (Genome Aggregation Database)), is uninformative in the assessment of its pathogenicity. Analysis of this variant using software algorithms for the prediction of the effect of nucleotide changes on splicing yielded predictions that this variant does not affect FANCA mRNA splicing . Based on the available information, we are unable to determine the clinical significance of this variant.

Labcorp Genetics (formerly Invitae), Labcorp
Classification: Uncertain significance for Fanconi anemia. Last evaluated: 2022-02-09. Review status: criteria provided, single submitter. Criteria: Invitae Variant Classification Sherloc (09022015). Collection method: clinical testing. Allele origin: germline.
Comment: This sequence change falls in intron 1 of the FANCA gene. It does not directly change the encoded amino acid sequence of the FANCA protein. The frequency data for this variant in the population databases is considered unreliable, as metrics indicate poor data quality at this position in the gnomAD database. This variant has not been reported in the literature in individuals affected with FANCA-related conditions. ClinVar contains an entry for this variant (Variation ID: 1040126). Algorithms developed to predict the effect of sequence changes on RNA splicing suggest that this variant may create or strengthen a splice site. In summary, the available evidence is currently insufficient to determine the role of this variant in disease. Therefore, it has been classified as a Variant of Uncertain Significance.

Genetic Services Laboratory, University of Chicago
Classification: Uncertain significance. Last evaluated: 2022-11-02. Review status: no assertion criteria provided. Collection method: clinical testing. Allele origin: germline. Affected: no. Not counted in ClinVar's aggregate classification.
Comment: DNA sequence analysis of the FANCA gene demonstrated a sequence change in intron 1, c.79+10C>T. This change does not appear to have been previously described in individuals with FANCA-related disorders. This sequence change has been described in the gnomAD database with a frequency of 0.01% in the Latino subpopulation (dbSNP rs573174362). This sequence change is not predicted to have a deleterious effect on splicing based on in-silico splice prediction programs. It is possible that this sequence change represents a benign sequence change in the FANCA gene that has not been identified to date. The functional significance of this sequence change is not known at present and its contribution to this individual's disease phenotype cannot definitively be determined.

Natera, Inc.
Classification: Uncertain significance for Fanconi anemia. Last evaluated: 2020-03-04. Review status: no assertion criteria provided. Collection method: clinical testing. Allele origin: germline. Not counted in ClinVar's aggregate classification.

NM_000135.4(FANCA):c.79+10C>T

Genes: FANCA (FA complementation group A; minus strand), LOC112486223 (Sharpr-MPRA regulatory region 3988; plus strand). Cytogenetic location: 16q24.3.
Variant type: single nucleotide variant.
Coding change: c.79+10C>T on transcript NM_000135.4 (MANE Select); 10 bases into the intron after coding-DNA position 79, C replaced by T.
Molecular consequence: intron variant.
Genome position (GRCh38, 1-based): chr16:89,816,527, G>A on the plus strand (C>T on the coding strand, the complement: FANCA is on the minus strand). VCF-style: chr16-89816527-G-A. GRCh37 (hg19) VCF-style: chr16-89882935-G-A.
Other names: c.79+10C>T (NM_001286167.3, NM_001351830.2, NM_001018112.3 and 1 more transcripts).
Identifiers: ClinVar variation 1040126 (VCV001040126.8), dbSNP rs573174362, ClinGen allele CA8253258.